The following is an entry in ClinVar:

ClinVar aggregate classification (germline): Uncertain significance. Review status: criteria provided, multiple submitters, no conflicts (2 of 4 stars). 9 submissions from 9 submitters: Uncertain significance (8). 1 of the submissions does not count toward it. Last evaluated 2026-09-01.

Conditions:
Bardet-Biedl syndrome (BBS). Identifiers: Orphanet 110, MedGen C0752166, MONDO:0015229.
BBS1-related disorder. Also called: BBS1-related condition.
Retinal dystrophy. Also called: Inherited retinal dystrophy. Identifiers: Orphanet 71862, MedGen C0854723, MeSH D058499, MONDO:0019118, HP:0000556.
Bardet-Biedl syndrome 1 (BBS1). Identifiers: MedGen C2936862, MONDO:0008854, OMIM 209900. Disease mechanism: loss of function.

Allele frequency attached by ClinVar (database versions not stated): ExAC 0.00004; gnomAD 0.00006 and 0.00007; gnomAD exomes 0.00006 and 0.00011; TOPMed 0.00006.
gnomAD v4.1: 173 of 1,614,022 alleles (0.011%); highest among the groups gnomAD compares: Non-Finnish European, 0.013%; no homozygotes.

Submissions (9):

CeGaT Center for Human Genetics Tuebingen
Classification: Uncertain significance. Last evaluated: 2026-09-01. Review status: criteria provided, single submitter. Criteria: CeGaT Center For Human Genetics Tuebingen Variant Classification Criteria Version 2. Collection method: clinical testing. Allele origin: germline. Affected: yes. Observed: 1 variant allele.
Comment: BBS1: PM2, PM5

Labcorp Genetics (formerly Invitae), Labcorp
Classification: Uncertain significance for Bardet-Biedl syndrome. Last evaluated: 2024-11-11. Review status: criteria provided, single submitter. Criteria: Invitae Variant Classification Sherloc (09022015). Collection method: clinical testing. Allele origin: germline.
Comment: This sequence change replaces arginine, which is basic and polar, with tryptophan, which is neutral and slightly polar, at codon 160 of the BBS1 protein (p.Arg160Trp). This variant is present in population databases (rs199633103, gnomAD 0.01%). This variant has not been reported in the literature in individuals affected with BBS1-related conditions. ClinVar contains an entry for this variant (Variation ID: 845479). Invitae Evidence Modeling of protein sequence and biophysical properties (such as structural, functional, and spatial information, amino acid conservation, physicochemical variation, residue mobility, and thermodynamic stability) indicates that this missense variant is expected to disrupt BBS1 protein function with a positive predictive value of 95%. In summary, the available evidence is currently insufficient to determine the role of this variant in disease. Therefore, it has been classified as a Variant of Uncertain Significance.

PreventionGenetics, part of Exact Sciences
Classification: Uncertain significance for BBS1-related condition. Last evaluated: 2024-10-21. Review status: criteria provided, single submitter. Criteria: ACMG Guidelines, 2015. Collection method: clinical testing. Allele origin: germline.
Comment: The BBS1 c.478C>T variant is predicted to result in the amino acid substitution p.Arg160Trp. This variant has been reported in the heterozygous state without a second variant in the BBS1 gene in an individual with an inherited retinal dystrophy (Stephenson et al. 2022. PubMed ID: 35055178). This variant is predicted to weaken the canonical splice donor site of intron 5, based on available splicing prediction programs (Alamut Visual Plus v1.6.1). In support of this prediction, an in vitro minigene-based splicing assay demonstrated the c.478C>T variant could lead to splicing defects (denoted as "BBS1-mut -2" in Schmid et al. 2013. PubMed ID: 23075156). A similar variant (c.479G>A) has also been reported to be causative for retinitis pigmentosa and disrupt mRNA splicing (Schmid et al. 2011. PubMed ID: 21520335; Sharon and Banin. 2015. PubMed ID: 26261414). At this time, the clinical significance of the c.478C>T (p.Arg160Trp) variant is uncertain due to the absence of conclusive functional and genetic evidence.

Fulgent Genetics
Classification: Uncertain significance for Bardet-Biedl syndrome 1. Last evaluated: 2023-12-26. Review status: criteria provided, single submitter. Criteria: ACMG Guidelines, 2015. Collection method: clinical testing. Allele origin: germline.

Blueprint Genetics
Classification: Uncertain significance. Last evaluated: 2023-11-13. Review status: criteria provided, single submitter. Criteria: ACMG Guidelines, 2015. Collection method: clinical testing. Allele origin: germline.

Dept Of Ophthalmology, Nagoya University
Classification: Uncertain significance for Retinal dystrophy. Last evaluated: 2023-10-01. Review status: criteria provided, single submitter. Criteria: Submitter's publication. Collection method: research. Allele origin: germline. Affected: yes.

Institute of Human Genetics, Univ. Regensburg, Univ. Regensburg
Classification: Uncertain significance for Retinal dystrophy. Last evaluated: 2022-01-01. Review status: criteria provided, single submitter. Criteria: ACMG Guidelines, 2015. Collection method: clinical testing. Allele origin: germline. Affected: yes.

Centre for Mendelian Genomics, University Medical Centre Ljubljana
Classification: Uncertain significance for Bardet-Biedl syndrome 1. Last evaluated: 2019-04-28. Review status: criteria provided, single submitter. Criteria: ACMG Guidelines, 2015. Collection method: clinical testing. Allele origin: unknown. Affected: yes.
Comment: This variant was classified as: Uncertain significance. The following ACMG criteria were applied in classifying this variant: PM2,PP3.

Natera, Inc.
Classification: Uncertain significance for Bardet-Biedl syndrome type 1. Last evaluated: 2020-03-05. Review status: no assertion criteria provided. Collection method: clinical testing. Allele origin: germline. Not counted in ClinVar's aggregate classification.

Literature cited by the submitters: PubMed 35055178 (cited by Institute of Human Genetics, Univ. Regensburg, Univ. Regensburg).

NM_024649.5(BBS1):c.478C>T (p.Arg160Trp)

Gene: BBS1 (Bardet-Biedl syndrome 1; plus strand). Cytogenetic location: 11q13.2.
Variant type: single nucleotide variant.
Coding change: c.478C>T on transcript NM_024649.5 (MANE Select); coding-DNA position 478, C replaced by T.
Protein change: p.Arg160Trp; replaces arginine 160 with tryptophan.
Molecular consequence: missense variant.
Genome position (GRCh38, 1-based): chr11:66,515,585, C>T. VCF-style: chr11-66515585-C-T. GRCh37 (hg19) VCF-style: chr11-66283056-C-T.
Other names: short protein forms R160W.
Identifiers: ClinVar variation 845479 (VCV000845479.20), dbSNP rs199633103, ClinGen allele CA6123350.